The following is an entry in ClinVar:

NM_001369.3(DNAH5):c.13228_13229insAG (p.Thr4410fs)

Gene: DNAH5 (dynein axonemal heavy chain 5; minus strand). Cytogenetic location: 5p15.2.
Variant type: Insertion.
Coding change: c.13228_13229insAG on transcript NM_001369.3 (MANE Select); coding-DNA positions 13228 to 13229, AG inserted.
Protein change: p.Thr4410fs; shifts the reading frame from threonine 4410.
Molecular consequence: frameshift variant.
Genome position: GRCh38 VCF-style: chr5-13708232-G-GCT. GRCh37 (hg19) VCF-style: chr5-13708341-G-GCT.
Other names: short protein forms T4410fs.
Identifiers: ClinVar variation 5016165 (VCV005016165.1).
Genomic context (GRCh38, chr5:13,708,232, plus strand): 5'-TCTCGCAGATTTTCGCTCATGATGATGGTGCCATCAATAGCAAGTTTCAGCTCAGTGAGG[G>GCT]TGCTGCGGACAAGGCTGAGTACCCTTTGCATTCTGTCTATTTCCTGCCTGAGGAAAATGT-3'

ClinVar aggregate classification (germline): Pathogenic (1 of 4 stars; one submission).

Conditions:
Primary ciliary dyskinesia 3. Identifiers: Orphanet 244, MedGen C1837618, MONDO:0012085, OMIM 608644.

Submission:

Myriad Genetics, Inc.
Classification: Pathogenic for Primary ciliary dyskinesia 3. Last evaluated: 2024-05-14. Review status: criteria provided, single submitter. Criteria: Myriad Autosomal Dominant, Autosomal Recessive and X-Linked Classification Criteria (2023). Collection method: clinical testing. Allele origin: unknown.
Comment: NM_001369.2(DNAH5):c.13228_13229insAG(T4410Kfs*6) is expected to be pathogenic in the context of primary ciliary dyskinesia, DNAH5-related. This variant is predicted to lead to an abnormal or absent protein product due to the creation of a premature termination codon in DNAH5, a gene where loss-of-function variants are known to be pathogenic. Please note: this variant was assessed in the context of healthy population screening.